The following is an entry in ClinVar:

NM_001130987.2(DYSF):c.5409C>G (p.His1803Gln)

Gene: DYSF (dysferlin; plus strand). Cytogenetic location: 2p13.2.
Variant type: single nucleotide variant.
Coding change: c.5409C>G on transcript NM_001130987.2 (MANE Select); coding-DNA position 5409, C replaced by G.
Protein change: p.His1803Gln; replaces histidine 1803 with glutamine.
Molecular consequence: missense variant.
Genome position (GRCh38, 1-based): chr2:71,667,467, C>G. VCF-style: chr2-71667467-C-G. GRCh37 (hg19) VCF-style: chr2-71894597-C-G.
Other names: c.5295C>G, p.His1765Gln (NM_001130455.2); c.5250C>G, p.His1750Gln (NM_001130976.2); c.5313C>G, p.His1771Gln (NM_001130977.2); c.5355C>G, p.His1785Gln (NM_001130978.2); c.5385C>G, p.His1795Gln (NM_001130979.2); c.5343C>G, p.His1781Gln (NM_001130980.2); c.5406C>G, p.His1802Gln (NM_001130981.2); c.5388C>G, p.His1796Gln (NM_001130982.2); and 5 more; short protein forms H1772Q, H1781Q, H1782Q, H1786Q, H1796Q, H1764Q, H1785Q, H1750Q.
Identifiers: ClinVar variation 649149 (VCV000649149.1), dbSNP rs375787986, ClinGen allele CA347221393.

ClinVar aggregate classification (germline): Uncertain significance (1 of 4 stars; one submission).

Conditions:
Neuromuscular disease caused by qualitative or quantitative defects of dysferlin. Also called: Qualitative or quantitative defects of dysferlin; Dysferlinopathy. Identifiers: Orphanet 207073, MedGen C2931687, MONDO:0016145.

Submission:

Labcorp Genetics (formerly Invitae), Labcorp
Classification: Uncertain significance for Dysferlinopathy. Last evaluated: 2018-07-24. Review status: criteria provided, single submitter. Criteria: Invitae Variant Classification Sherloc (09022015). Collection method: clinical testing. Allele origin: germline.
Comment: This sequence change replaces histidine with glutamine at codon 1764 of the DYSF protein (p.His1764Gln). The histidine residue is highly conserved and there is a small physicochemical difference between histidine and glutamine. This variant is not present in population databases (ExAC no frequency). This variant has not been reported in the literature in individuals with DYSF-related disease. Algorithms developed to predict the effect of missense changes on protein structure and function are either unavailable or do not agree on the potential impact of this missense change (SIFT: "Deleterious"; PolyPhen-2: "Possibly Damaging"; Align-GVGD: "Class C0"). Algorithms developed to predict the effect of sequence changes on RNA splicing suggest that this variant may create or strengthen a splice site, but this prediction has not been confirmed by published transcriptional studies. In summary, the available evidence is currently insufficient to determine the role of this variant in disease. Therefore, it has been classified as a Variant of Uncertain Significance.